The following continues an entry in ClinVar:

NM_000051.4(ATM):c.1402_1403del (p.Lys468fs)

Gene: ATM. ClinVar aggregate classification (germline): Pathogenic. Pathogenic (1).

Submissions 27 to 31 of 31:

Juno Genomics, Hangzhou Juno Genomics, Inc
Classification: Pathogenic for Familial cancer of breast; Ataxia-telangiectasia syndrome. Review status: criteria provided, single submitter. Criteria: ACMG Guidelines, 2015. Collection method: clinical testing. Allele origin: germline. Affected: yes. Not counted in ClinVar's aggregate classification.
Comment: Null variant in a gene where loss of function (LOF) is a known mechanism of disease.;For recessive disorders, detected in trans with a pathogenic variant.

Counsyl
Classification: Likely pathogenic for Ataxia-telangiectasia syndrome. Last evaluated: 2015-01-28. Review status: no assertion criteria provided. Collection method: literature only. Allele origin: unknown. Inheritance: Autosomal recessive inheritance. Not counted in ClinVar's aggregate classification.

Diagnostic Laboratory, Department of Genetics, University Medical Center Groningen
Classification: Pathogenic. Review status: no assertion criteria provided. Collection method: clinical testing. Allele origin: germline. Affected: yes. Study: VKGL Data-share Consensus. Not counted in ClinVar's aggregate classification.

Joint Genome Diagnostic Labs from Nijmegen and Maastricht, Radboudumc and MUMC+
Classification: Pathogenic. Review status: no assertion criteria provided. Collection method: clinical testing. Allele origin: germline. Affected: yes. Study: VKGL Data-share Consensus. Not counted in ClinVar's aggregate classification.

Laboratory of Diagnostic Genome Analysis, Leiden University Medical Center (LUMC)
Classification: Pathogenic. Review status: no assertion criteria provided. Collection method: clinical testing. Allele origin: germline. Affected: yes. Study: VKGL Data-share Consensus. Not counted in ClinVar's aggregate classification.

Literature cited by the submitters: PubMed 23807571 (cited by 3 submitters); PubMed 25614872 (cited by Labcorp Genetics (formerly Invitae), Labcorp and GeneKor MSA); PubMed 9792409 (cited by 7 submitters); PubMed 12552559 (cited by 4 submitters); PubMed 20308662 (cited by 7 submitters); PubMed 22649200 (cited by 6 submitters); PubMed 23322442 (cited by 6 submitters); PubMed 24733792 (cited by 6 submitters); PubMed 25892863 (cited by Labcorp Genetics (formerly Invitae), Labcorp and Department of Pathology and Laboratory Medicine, Sinai Health System); PubMed 26094658 (cited by 6 submitters); PubMed 27433846 (cited by Labcorp Genetics (formerly Invitae), Labcorp and Center for Genomic Medicine, Rigshospitalet, Copenhagen University Hospital); PubMed 30322717 (cited by Labcorp Genetics (formerly Invitae), Labcorp and GeneKor MSA); PubMed 31815095 (cited by 7 submitters); PubMed 31691010 (cited by Natera, Inc. and Center for Genomic Medicine, Rigshospitalet, Copenhagen University Hospital); PubMed 21665257 (cited by Color Diagnostics, LLC DBA Color Health and Counsyl); PubMed 23726790 (cited by Color Diagnostics, LLC DBA Color Health and Counsyl); PubMed 10677309 (cited by Institute for Genomic Medicine (IGM) Clinical Laboratory, Nationwide Children's Hospital); PubMed 3574400 (cited by Institute for Genomic Medicine (IGM) Clinical Laboratory, Nationwide Children's Hospital); PubMed 35008949 (cited by Institute for Genomic Medicine (IGM) Clinical Laboratory, Nationwide Children's Hospital); PubMed 33509806 (cited by Institute for Genomic Medicine (IGM) Clinical Laboratory, Nationwide Children's Hospital); PubMed 32318955 (cited by Mayo Clinic Laboratories, Mayo Clinic); PubMed 32866655 (cited by Mayo Clinic Laboratories, Mayo Clinic); PubMed 35273153 (cited by Mayo Clinic Laboratories, Mayo Clinic); PubMed 25101980 (cited by Counsyl).